The following is an entry in ClinVar:

NM_001197104.2(KMT2A):c.1483G>A (p.Glu495Lys)

Gene: KMT2A (lysine methyltransferase 2A; plus strand). Cytogenetic location: 11q23.3.
Variant type: single nucleotide variant.
Coding change: c.1483G>A on transcript NM_001197104.2 (MANE Select); coding-DNA position 1483, G replaced by A.
Protein change: p.Glu495Lys; replaces glutamic acid 495 with lysine.
Molecular consequence: missense variant.
Genome position (GRCh38, 1-based): chr11:118,472,642, G>A. VCF-style: chr11-118472642-G-A. GRCh37 (hg19) VCF-style: chr11-118343357-G-A.
Other names: c.1582G>A, p.Glu528Lys (NM_001412597.1); c.1483G>A, p.Glu495Lys (NM_005933.4); short protein forms E528K, E495K.
Identifiers: ClinVar variation 1952489 (VCV001952489.5), dbSNP rs377688685, ClinGen allele CA229521344.

ClinVar aggregate classification (germline): Uncertain significance (1 of 4 stars; one submission).

Allele frequency attached by ClinVar (database versions not stated): gnomAD 0.00001; gnomAD exomes 0.00001; TOPMed 0.00001; ESP Exome Variant Server 0.00008.
gnomAD v4.1: 4 of 1,612,612 alleles (0.00025%); highest among the groups gnomAD compares: Non-Finnish European, 0.00034%; no homozygotes.

Submission:

Labcorp Genetics (formerly Invitae), Labcorp
Classification: Uncertain significance. Last evaluated: 2022-03-15. Review status: criteria provided, single submitter. Criteria: Invitae Variant Classification Sherloc (09022015). Collection method: clinical testing. Allele origin: germline.
Comment: This sequence change replaces glutamic acid, which is acidic and polar, with lysine, which is basic and polar, at codon 495 of the KMT2A protein (p.Glu495Lys). This variant is present in population databases (rs377688685, gnomAD 0.0009%). This variant has not been reported in the literature in individuals affected with KMT2A-related conditions. Advanced modeling of protein sequence and biophysical properties (such as structural, functional, and spatial information, amino acid conservation, physicochemical variation, residue mobility, and thermodynamic stability) performed at Invitae indicates that this missense variant is not expected to disrupt KMT2A protein function. In summary, the available evidence is currently insufficient to determine the role of this variant in disease. Therefore, it has been classified as a Variant of Uncertain Significance.